The following is an entry in ClinVar:

ClinVar aggregate classification (germline): Uncertain significance. Review status: criteria provided, multiple submitters, no conflicts (2 of 4 stars). 3 submissions from 3 submitters: Uncertain significance (3). Last evaluated 2024-04-01.

Conditions:
Inborn genetic diseases. Identifiers: MedGen C0950123, MeSH D030342.

Allele frequency attached by ClinVar (database versions not stated): gnomAD 0.00005.
gnomAD v4.1: 21 of 1,477,782 alleles (0.0014%); highest among the groups gnomAD compares: African/African-American, 0.01%; no homozygotes.

Submissions (3):

Ambry Genetics
Classification: Uncertain significance for Inborn genetic diseases. Last evaluated: 2024-04-01. Review status: criteria provided, single submitter. Criteria: Ambry Variant Classification Scheme 2023. Collection method: clinical testing. Allele origin: germline.

Labcorp Genetics (formerly Invitae), Labcorp
Classification: Uncertain significance. Last evaluated: 2023-05-09. Review status: criteria provided, single submitter. Criteria: Invitae Variant Classification Sherloc (09022015). Collection method: clinical testing. Allele origin: germline.
Comment: In summary, the available evidence is currently insufficient to determine the role of this variant in disease. Therefore, it has been classified as a Variant of Uncertain Significance. Advanced modeling of protein sequence and biophysical properties (such as structural, functional, and spatial information, amino acid conservation, physicochemical variation, residue mobility, and thermodynamic stability) performed at Invitae indicates that this missense variant is not expected to disrupt CDK13 protein function. This variant has not been reported in the literature in individuals affected with CDK13-related conditions. This variant is present in population databases (no rsID available, gnomAD 0.01%). This sequence change replaces alanine, which is neutral and non-polar, with valine, which is neutral and non-polar, at codon 331 of the CDK13 protein (p.Ala331Val).

CeGaT Center for Human Genetics Tuebingen
Classification: Uncertain significance. Last evaluated: 2022-04-01. Review status: criteria provided, single submitter. Criteria: CeGaT Center For Human Genetics Tuebingen Variant Classification Criteria Version 2. Collection method: clinical testing. Allele origin: germline. Affected: yes. Observed: 1 variant allele.

NM_003718.5(CDK13):c.992C>T (p.Ala331Val)

Gene: CDK13 (cyclin dependent kinase 13; plus strand). Cytogenetic location: 7p14.1.
Variant type: single nucleotide variant.
Coding change: c.992C>T on transcript NM_003718.5 (MANE Select); coding-DNA position 992, C replaced by T.
Protein change: p.Ala331Val; replaces alanine 331 with valine.
Molecular consequence: missense variant.
Genome position (GRCh38, 1-based): chr7:39,951,633, C>T. VCF-style: chr7-39951633-C-T. GRCh37 (hg19) VCF-style: chr7-39991232-C-T.
Other names: c.992C>T, p.Ala331Val (NM_031267.4); short protein forms A331V.
Identifiers: ClinVar variation 2657400 (VCV002657400.27), dbSNP rs996434597, ClinGen allele CA157707230.